The following is an entry in ClinVar:

NM_001378454.1(ALMS1):c.1672C>T (p.Pro558Ser)

Gene: ALMS1 (ALMS1 centrosome and basal body associated protein; plus strand). Cytogenetic location: 2p13.1.
Variant type: single nucleotide variant.
Coding change: c.1672C>T on transcript NM_001378454.1 (MANE Select); coding-DNA position 1672, C replaced by T.
Protein change: p.Pro558Ser; replaces proline 558 with serine.
Molecular consequence: missense variant.
Genome position (GRCh38, 1-based): chr2:73,448,199, C>T. VCF-style: chr2-73448199-C-T. GRCh37 (hg19) VCF-style: chr2-73675326-C-T.
Other names: c.1675C>T, p.Pro559Ser (NM_015120.4); short protein forms P558S, P559S.
Identifiers: ClinVar variation 4985421 (VCV004985421.1).

ClinVar aggregate classification (germline): Uncertain significance (1 of 4 stars; one submission).

Conditions:
ALMS1-related disorder. Also called: ALMS1-related condition.

gnomAD v4.1: 1 of 1,614,010 alleles (0.000062%); highest among the groups gnomAD compares: South Asian, 0.0011%; no homozygotes.

Submission:

PreventionGenetics, part of Exact Sciences
Classification: Uncertain significance for ALMS1-related condition. Last evaluated: 2026-05-09. Review status: criteria provided, single submitter. Criteria: ACMG Guidelines, 2015. Collection method: clinical testing. Allele origin: germline.
Comment: The ALMS1 c.1675C>T variant is predicted to result in the amino acid substitution p.Pro559Ser. To our knowledge, this variant has not been reported in the literature or in a large population database, indicating this variant is rare. At this time, the clinical significance of this variant is uncertain due to the absence of conclusive functional and genetic evidence.